The following is an entry in ClinVar:

NM_001370259.2(MEN1):c.627G>C (p.Gln209His)

Gene: MEN1 (menin 1; minus strand). Cytogenetic location: 11q13.1.
Variant type: single nucleotide variant.
Coding change: c.627G>C on transcript NM_001370259.2 (MANE Select); coding-DNA position 627, G replaced by C.
Protein change: p.Gln209His; replaces glutamine 209 with histidine.
Molecular consequence: missense variant. On other transcripts: intron variant (2).
Genome position (GRCh38, 1-based): chr11:64,807,918, C>G on the plus strand (G>C on the coding strand, the complement: MEN1 is on the minus strand). VCF-style: chr11-64807918-C-G. GRCh37 (hg19) VCF-style: chr11-64575390-C-G.
Other names: c.642G>C, p.Gln214His (NM_000244.4, NM_130800.3, NM_130801.3 and 3 more transcripts); c.627G>C, p.Gln209His (NM_001370251.2, NM_001370260.2, NM_001370261.2 and 1 more transcripts); c.549+78G>C (NM_001370263.2, NM_001370262.2); short protein forms Q214H, Q209H.
Identifiers: ClinVar variation 573211 (VCV000573211.6), dbSNP rs1565647751, ClinGen allele CA381185372.

ClinVar aggregate classification (germline): Uncertain significance (1 of 4 stars; one submission).

Conditions:
Multiple endocrine neoplasia, type 1 (MEN1). Also called: WERMER SYNDROME; Endocrine adenomatosis multiple; MEN 1; MEA I; MEN I. Identifiers: Orphanet 652, MedGen C0025267, MeSH D018761, MONDO:0007540, OMIM 131100.

Allele frequency attached by ClinVar (database versions not stated): gnomAD exomes below 0.00001.
gnomAD v4.1: 3 of 1,614,152 alleles (0.00019%); highest among the groups gnomAD compares: Non-Finnish European, 0.00017%; no homozygotes.

Submission:

Labcorp Genetics (formerly Invitae), Labcorp
Classification: Uncertain significance for Multiple endocrine neoplasia, type 1. Last evaluated: 2021-08-30. Review status: criteria provided, single submitter. Criteria: Invitae Variant Classification Sherloc (09022015). Collection method: clinical testing. Allele origin: germline.
Comment: This sequence change replaces glutamine with histidine at codon 209 of the MEN1 protein (p.Gln209His). The glutamine residue is highly conserved and there is a small physicochemical difference between glutamine and histidine. This variant is not present in population databases (ExAC no frequency). This variant has not been reported in the literature in individuals affected with MEN1-related conditions. Algorithms developed to predict the effect of missense changes on protein structure and function are either unavailable or do not agree on the potential impact of this missense change (SIFT: "Deleterious"; PolyPhen-2: "Possibly Damaging"; Align-GVGD: "Class C0"). In summary, the available evidence is currently insufficient to determine the role of this variant in disease. Therefore, it has been classified as a Variant of Uncertain Significance.